The following is an entry in ClinVar:

ClinVar aggregate classification (germline): Likely pathogenic (1 of 4 stars; one submission).

Conditions:
Polycystic kidney disease, adult type (PKD1). Also called: Polycystic Kidney, Autosomal Dominant; POLYCYSTIC KIDNEY DISEASE, ADULT, TYPE I; Polycystic Kidney Disease 1, Autosomal Dominant; Polycystic kidney disease 1; Polycystic kidney disease 1, severe; POLYCYSTIC KIDNEY DISEASE 1 WITH OR WITHOUT POLYCYSTIC LIVER DISEASE. Identifiers: MedGen C3149841, MONDO:0008263, OMIM 173900.

Submission:

3billion
Classification: Likely pathogenic for Polycystic kidney disease, adult type. Last evaluated: 2025-08-25. Review status: criteria provided, single submitter. Criteria: ACMG Guidelines, 2015. Collection method: clinical testing. Allele origin: germline. Affected: yes.
Comment: The variant is not observed in the gnomAD v4.1.0 dataset. Predicted Consequence/Location: Frameshift: predicted to result in a loss or disruption of normal protein function through nonsense-mediated decay (NMD) or protein truncation. Multiple pathogenic variants are reported downstream of the variant. Therefore, this variant is classified as Likely pathogenic according to the recommendation of ACMG/AMP guideline.

NM_001009944.3(PKD1):c.11001dup (p.His3668fs)

Genes: PKD1 (polycystin 1, transient receptor potential channel interacting; minus strand), PKD1-AS1 (PKD1 antisense RNA 1; plus strand). Cytogenetic location: 16p13.3.
Variant type: Duplication.
Coding change: c.11001dup on transcript NM_001009944.3 (MANE Select); coding-DNA position 11001, one base duplicated (A; older notation c.11001dupA).
Protein change: p.His3668fs; shifts the reading frame from histidine 3668.
Molecular consequence: frameshift variant.
Genome position (GRCh38, 1-based): chr16:2,093,559, T duplicated on the plus strand (A on the coding strand, the reverse complement: PKD1 is on the minus strand). VCF-style (leftmost placement, unchanged base first): chr16-2093558-G-GT. GRCh37 (hg19) VCF-style: chr16-2143559-G-GT.
Other names: c.10998dup, p.His3667fs (NM_000296.4); short protein forms H3667fs, H3668fs.
Identifiers: ClinVar variation 4855085 (VCV004855085.1).